The following is an entry in ClinVar:

NM_032122.5(DTNBP1):c.811+34G>C

Gene: DTNBP1 (dystrobrevin binding protein 1; minus strand). Cytogenetic location: 6p22.3.
Variant type: single nucleotide variant.
Coding change: c.811+34G>C on transcript NM_032122.5 (MANE Select); 34 bases into the intron after coding-DNA position 811, G replaced by C.
Molecular consequence: intron variant. On other transcripts: missense variant (1), non-coding transcript variant (1).
Genome position (GRCh38, 1-based): chr6:15,524,492, C>G on the plus strand (G>C on the coding strand, the complement: DTNBP1 is on the minus strand). VCF-style: chr6-15524492-C-G. GRCh37 (hg19) VCF-style: chr6-15524723-C-G.
Other names: c.845G>C, p.Gly282Ala (NM_183040.2); c.706+34G>C (NM_001271669.2); c.760+34G>C (NM_001271668.2); c.568+34G>C (NM_001271667.2); short protein forms G282A.
Identifiers: ClinVar variation 3369526 (VCV003369526.1).
Genomic context (GRCh38, chr6:15,524,492, plus strand): 5'-TAAGTGACTGGCAGATGGTTCTCACGTCTCACCTTTGGAGGGGAGTGGCATCGATACTGC[C>G]CTGGTTCAGCTAATGCAAGTTTGTCAACCCTACCTAAGGCGGGGGACAGCACAGTGTTCT-3'

ClinVar aggregate classification (germline): Uncertain significance (1 of 4 stars; one submission).

gnomAD v4.1: 168 of 1,610,700 alleles (0.01%); highest among the groups gnomAD compares: Non-Finnish European, 0.013%; no homozygotes.

Submission:

GeneDx
Classification: Uncertain significance. Last evaluated: 2024-02-24. Review status: criteria provided, single submitter. Criteria: GeneDx Variant Classification Process June 2021. Collection method: clinical testing. Allele origin: germline. Affected: yes.
Comment: Has not been previously published as pathogenic or benign to our knowledge; In silico analysis suggests this variant may impact gene splicing. In the absence of RNA/functional studies, the actual effect of this sequence change is unknown.